The following is an entry in ClinVar:

NM_000550.3(TYRP1):c.296G>A (p.Cys99Tyr)

Gene: TYRP1 (tyrosinase related protein 1; plus strand). Cytogenetic location: 9p23.
Variant type: single nucleotide variant.
Coding change: c.296G>A on transcript NM_000550.3 (MANE Select); coding-DNA position 296, G replaced by A.
Protein change: p.Cys99Tyr; replaces cysteine 99 with tyrosine.
Molecular consequence: missense variant.
Genome position (GRCh38, 1-based): chr9:12,694,292, G>A. VCF-style: chr9-12694292-G-A. GRCh37 (hg19) VCF-style: chr9-12694292-G-A.
Other names: short protein forms C99Y.
Identifiers: ClinVar variation 1405193 (VCV001405193.5), dbSNP rs758453301, ClinGen allele CA372936759.

ClinVar aggregate classification (germline): Uncertain significance (1 of 4 stars; one submission).

Allele frequency attached by ClinVar (database versions not stated): gnomAD exomes below 0.00001; TOPMed below 0.00001; gnomAD 0.00001.
gnomAD v4.1: 4 of 1,613,890 alleles (0.00025%); highest among the groups gnomAD compares: African/African-American, 0.0013%; no homozygotes.

Submission:

Labcorp Genetics (formerly Invitae), Labcorp
Classification: Uncertain significance. Last evaluated: 2022-06-27. Review status: criteria provided, single submitter. Criteria: Invitae Variant Classification Sherloc (09022015). Collection method: clinical testing. Allele origin: germline.
Comment: This sequence change replaces cysteine, which is neutral and slightly polar, with tyrosine, which is neutral and polar, at codon 99 of the TYRP1 protein (p.Cys99Tyr). This variant is present in population databases (no rsID available, gnomAD 0.0009%). This variant has not been reported in the literature in individuals affected with TYRP1-related conditions. Algorithms developed to predict the effect of missense changes on protein structure and function are either unavailable or do not agree on the potential impact of this missense change (SIFT: "Deleterious"; PolyPhen-2: "Probably Damaging"; Align-GVGD: "Class C0"). In summary, the available evidence is currently insufficient to determine the role of this variant in disease. Therefore, it has been classified as a Variant of Uncertain Significance.